The following is an entry in ClinVar:

ClinVar aggregate classification (germline): Uncertain significance. Review status: criteria provided, multiple submitters, no conflicts (2 of 4 stars). 2 submissions from 2 submitters: Uncertain significance (2). Last evaluated 2022-07-05.

Allele frequency attached by ClinVar (database versions not stated): gnomAD exomes below 0.00001.
gnomAD v4.1: 1 of 1,613,872 alleles (0.000062%); highest among the groups gnomAD compares: Non-Finnish European, 0.000085%; no homozygotes.

Submissions (2):

Labcorp Genetics (formerly Invitae), Labcorp
Classification: Uncertain significance. Last evaluated: 2022-07-05. Review status: criteria provided, single submitter. Criteria: Invitae Variant Classification Sherloc (09022015). Collection method: clinical testing. Allele origin: germline.
Comment: In summary, the available evidence is currently insufficient to determine the role of this variant in disease. Therefore, it has been classified as a Variant of Uncertain Significance. Algorithms developed to predict the effect of missense changes on protein structure and function are either unavailable or do not agree on the potential impact of this missense change (SIFT: "Deleterious"; PolyPhen-2: "Probably Damaging"; Align-GVGD: "Class C0"). ClinVar contains an entry for this variant (Variation ID: 1369131). This variant has not been reported in the literature in individuals affected with GPR179-related conditions. This variant is not present in population databases (gnomAD no frequency). This sequence change replaces histidine, which is basic and polar, with aspartic acid, which is acidic and polar, at codon 616 of the GPR179 protein (p.His616Asp).

Blueprint Genetics
Classification: Uncertain significance. Last evaluated: 2019-04-13. Review status: criteria provided, single submitter. Criteria: ACMG Guidelines, 2015. Collection method: clinical testing. Allele origin: germline.

NM_001004334.4(GPR179):c.1846C>G (p.His616Asp)

Gene: GPR179 (G protein-coupled receptor 179; minus strand). Cytogenetic location: 17q12.
Variant type: single nucleotide variant.
Coding change: c.1846C>G on transcript NM_001004334.4 (MANE Select); coding-DNA position 1846, C replaced by G.
Protein change: p.His616Asp; replaces histidine 616 with aspartic acid.
Molecular consequence: missense variant.
Genome position (GRCh38, 1-based): chr17:38,333,977, G>C on the plus strand (C>G on the coding strand, the complement: GPR179 is on the minus strand). VCF-style: chr17-38333977-G-C. GRCh37 (hg19) VCF-style: chr17-36489860-G-C.
Other names: short protein forms H616D.
Identifiers: ClinVar variation 1369131 (VCV001369131.7), dbSNP rs979384528, ClinGen allele CA290108130.